The following is an entry in ClinVar:

NM_003690.5(PRKRA):c.22_23del (p.Ala8fs)

Gene: PRKRA (protein activator of interferon induced protein kinase EIF2AK2; minus strand). Cytogenetic location: 2q31.2.
Variant type: Microsatellite.
Coding change: c.22_23del on transcript NM_003690.5 (MANE Select); coding-DNA positions 22 to 23, 2 bases deleted (GC; older notation c.22_23delGC).
Protein change: p.Ala8fs; shifts the reading frame from alanine 8.
Molecular consequence: frameshift variant. On other transcripts: 5 prime UTR variant (1).
Genome position (GRCh38, 1-based): chr2:178,451,008-178,451,009, GC deleted on the plus strand (GC on the coding strand, the reverse complement: PRKRA is on the minus strand); deleting any 2 consecutive bases within chr2:178,451,008-178,451,012 gives the same sequence; the c. name uses the placement nearest the transcript's 3' end. VCF-style (leftmost placement, unchanged base first): chr2-178451007-GGC-G. GRCh37 (hg19) VCF-style: chr2-179315734-GGC-G.
Other names: p.Ala8Argfs*22; c.-430GC[1] (NM_001316362.2); c.22_23delGC (NM_003690.4); short protein forms A8fs.
Identifiers: ClinVar variation 332634 (VCV000332634.22), dbSNP rs141354030, ClinGen allele CA1984091.
Genomic context (GRCh38, chr2:178,451,007, plus strand): 5'-TGACTGCCCGCACGCTGACCTGAAGGTCCCACTGTCCTCGCGCTCCAGCGGCGGGGCCTC[GGC>G]GCGGTGCCTGCTCTGGGACATGGCGAGAAGGGACGGCTCAGCGGCTGGAGGAAGAGCGGT-3'

ClinVar aggregate classification (germline): Benign. Review status: criteria provided, multiple submitters, no conflicts (2 of 4 stars). 7 submissions from 7 submitters: Benign (5). 2 of the submissions do not count toward it. Last evaluated 2024-11-26.

Conditions:
Dystonia 16 (DYT16). Also called: DYT-PRKRA. Identifiers: Orphanet 210571, MedGen C2677567, MONDO:0012789, OMIM 612067.

Submissions (7):

Blueprint Genetics
Classification: Benign. Last evaluated: 2024-11-26. Review status: criteria provided, single submitter. Criteria: ACMG Guidelines, 2015. Collection method: clinical testing. Allele origin: germline.

Labcorp Genetics (formerly Invitae), Labcorp
Classification: Benign for Dystonia 16. Last evaluated: 2024-02-17. Review status: criteria provided, single submitter. Criteria: Invitae Variant Classification Sherloc (09022015). Collection method: clinical testing. Allele origin: germline.

Mayo Clinic Laboratories, Mayo Clinic
Classification: Benign. Last evaluated: 2023-03-31. Review status: criteria provided, single submitter. Criteria: ACMG Guidelines, 2015. Collection method: clinical testing. Allele origin: germline. Observed: 305 variant alleles.
Comment: BA1

Mendelics
Classification: Benign for Dystonia 16. Last evaluated: 2019-05-28. Review status: criteria provided, single submitter. Criteria: Mendelics Assertion Criteria 2017. Collection method: clinical testing. Allele origin: unknown.

GeneDx
Classification: Benign. Last evaluated: 2018-07-06. Review status: criteria provided, single submitter. Criteria: GeneDx Variant Classification Process June 2021. Collection method: clinical testing. Allele origin: germline. Affected: yes.

Diagnostic Laboratory, Department of Genetics, University Medical Center Groningen
Classification: Benign. Review status: no assertion criteria provided. Collection method: clinical testing. Allele origin: germline. Affected: yes. Study: VKGL Data-share Consensus. Not counted in ClinVar's aggregate classification.

Genome Diagnostics Laboratory, Amsterdam University Medical Center
Classification: Likely benign. Review status: no assertion criteria provided. Collection method: clinical testing. Allele origin: germline. Affected: yes. Study: VKGL Data-share Consensus. Not counted in ClinVar's aggregate classification.